The following is an entry in ClinVar:

NM_001220.5(CAMK2B):c.1742A>T (p.Asp581Val)

Gene: CAMK2B (calcium/calmodulin dependent protein kinase II beta; minus strand). Cytogenetic location: 7p13.
Variant type: single nucleotide variant.
Coding change: c.1742A>T on transcript NM_001220.5 (MANE Select); coding-DNA position 1742, A replaced by T.
Protein change: p.Asp581Val; replaces aspartic acid 581 with valine.
Molecular consequence: missense variant. On other transcripts: intron variant (1).
Genome position (GRCh38, 1-based): chr7:44,220,642, T>A on the plus strand (A>T on the coding strand, the complement: CAMK2B is on the minus strand). VCF-style: chr7-44220642-T-A. GRCh37 (hg19) VCF-style: chr7-44260241-T-A.
Other names: c.1370A>T, p.Asp457Val (NM_001293170.2, NM_172078.3); c.1298A>T, p.Asp433Val (NM_172079.3); c.1295A>T, p.Asp432Val (NM_172080.3); c.1253A>T, p.Asp418Val (NM_172081.3); c.1181A>T, p.Asp394Val (NM_172083.3); c.1091A>T, p.Asp364Val (NM_172084.3); c.1230-10A>T (NM_172082.3); short protein forms D364V, D394V, D418V, D432V, D433V, D457V, D581V.
Identifiers: ClinVar variation 4846978 (VCV004846978.1).

ClinVar aggregate classification (germline): Uncertain significance (1 of 4 stars; one submission).

Conditions:
Intellectual developmental disorder, autosomal dominant 54. Also called: MENTAL RETARDATION, AUTOSOMAL DOMINANT 54; Intellectual disability, autosomal dominant 54. Identifiers: MedGen C4540484, MONDO:0030920, OMIM 617799.

Submission:

Laboratorio de Genetica e Diagnostico Molecular, Hospital Israelita Albert Einstein
Classification: Uncertain significance for Intellectual developmental disorder, autosomal dominant 54. Last evaluated: 2026-02-05. Review status: criteria provided, single submitter. Criteria: ACMG Guidelines, 2015. Collection method: clinical testing. Allele origin: germline. Affected: yes.
Comment: ACMG classification criteria: PM2 supporting, PP2 supporting